The following is an entry in ClinVar:

NM_000379.4(XDH):c.3352-2A>G

Gene: XDH (xanthine dehydrogenase; minus strand). Cytogenetic location: 2p23.1.
Variant type: single nucleotide variant.
Coding change: c.3352-2A>G on transcript NM_000379.4 (MANE Select); the canonical splice acceptor site of the intron before coding-DNA position 3352, A replaced by G.
Molecular consequence: splice acceptor variant.
Genome position (GRCh38, 1-based): chr2:31,344,738, T>C on the plus strand (A>G on the coding strand, the complement: XDH is on the minus strand). VCF-style: chr2-31344738-T-C. GRCh37 (hg19) VCF-style: chr2-31567604-T-C.
Identifiers: ClinVar variation 2585395 (VCV002585395.1), dbSNP rs758748687, ClinGen allele CA1598417.
Genomic context (GRCh38, chr2:31,344,738, plus strand): 5'-ACTTACCTATAAAACCCAGTGGCAGACAAGCTCACTGTGTCCATGTAGGCAGCTGTGACC[T>C]GAGGAGAGGAGATGGCCATCAGGCAGGTGAAGTGAGGTTTTCAGGAACCCTGACCTGCCA-3'

ClinVar aggregate classification (germline): Likely pathogenic (1 of 4 stars; one submission).

Conditions:
Hereditary xanthinuria type 1 (XAN1). Identifiers: Orphanet 3467, Orphanet 93601, MedGen C0268118, MONDO:0010209, OMIM 278300.

Allele frequency attached by ClinVar (database versions not stated): ExAC 0.00001; gnomAD 0.00001; gnomAD exomes 0.00001.
gnomAD v4.1: 11 of 1,613,950 alleles (0.00068%); highest among the groups gnomAD compares: South Asian, 0.012%; no homozygotes.

Submission:

Neuberg Centre For Genomic Medicine, NCGM
Classification: Likely pathogenic for Hereditary xanthinuria type 1. Review status: criteria provided, single submitter. Criteria: ACMG Guidelines, 2015. Collection method: clinical testing. Allele origin: germline. Inheritance: Autosomal recessive inheritance. Affected: yes.
Comment: The splice site c.3352-2A>G variant has not been reported previously as a pathogenic variant nor as a benign variant, to our knowledge. The variant is novel (not in any individuals) in 1000 Genomes and has allele frequency of 0008% in gnomAD database. The nucleotide change in XDH is predicted as conserved by GERP++ and PhyloP across 100 vertebrates. Loss of function variants have been previously reported to be disease causing. For these reasons, this variant has been classified as Likely Pathogenic.